The following is an entry in ClinVar:

ClinVar aggregate classification (germline): Uncertain significance (1 of 4 stars; one submission).

Conditions:
Tuberous sclerosis 1 (TSC1). Identifiers: Orphanet 805, MedGen C1854465, MONDO:0008612, OMIM 191100.

Submission:

Labcorp Genetics (formerly Invitae), Labcorp
Classification: Uncertain significance for Tuberous sclerosis 1. Last evaluated: 2021-06-04. Review status: criteria provided, single submitter. Criteria: Invitae Variant Classification Sherloc (09022015). Collection method: clinical testing. Allele origin: germline.
Comment: This sequence change replaces aspartic acid with glycine at codon 972 of the TSC1 protein (p.Asp972Gly). The aspartic acid residue is moderately conserved and there is a moderate physicochemical difference between aspartic acid and glycine. This variant is not present in population databases (ExAC no frequency). This variant has not been reported in the literature in individuals with TSC1-related conditions. Algorithms developed to predict the effect of missense changes on protein structure and function (SIFT, PolyPhen-2, Align-GVGD) all suggest that this variant is likely to be tolerated, but these predictions have not been confirmed by published functional studies and their clinical significance is uncertain. Algorithms developed to predict the effect of sequence changes on RNA splicing suggest that this variant may create or strengthen a splice site, but this prediction has not been confirmed by published transcriptional studies. In summary, the available evidence is currently insufficient to determine the role of this variant in disease. Therefore, it has been classified as a Variant of Uncertain Significance.

NM_000368.5(TSC1):c.2915A>G (p.Asp972Gly)

Gene: TSC1 (TSC complex subunit 1; minus strand). Cytogenetic location: 9q34.13.
Variant type: single nucleotide variant.
Coding change: c.2915A>G on transcript NM_000368.5 (MANE Select); coding-DNA position 2915, A replaced by G.
Protein change: p.Asp972Gly; replaces aspartic acid 972 with glycine.
Molecular consequence: missense variant.
Genome position (GRCh38, 1-based): chr9:132,897,244, T>C on the plus strand (A>G on the coding strand, the complement: TSC1 is on the minus strand). VCF-style: chr9-132897244-T-C. GRCh37 (hg19) VCF-style: chr9-135772631-T-C.
Other names: c.2912A>G, p.Asp971Gly (NM_001162426.2); c.2762A>G, p.Asp921Gly (NM_001162427.2); c.2552A>G, p.Asp851Gly (NM_001362177.2); short protein forms D921G, D971G, D972G, D851G.
Identifiers: ClinVar variation 1358940 (VCV001358940.8), dbSNP rs2131625009, ClinGen allele CA375368534.